The following is an entry in ClinVar:

ClinVar aggregate classification (germline): Uncertain significance. Review status: criteria provided, single submitter (1 of 4 stars). 2 submissions from 2 submitters: Uncertain significance (1). 1 of the submissions does not count toward it. Last evaluated 2026-05-12.

Conditions:
PEX1-related disorder. Also called: PEX1-related condition.
Zellweger spectrum disorders (ZS). Also called: Zellweger Spectrum Disorder; Zellweger Spectrum; Zellweger Spectrum Disorder (ZSD); Zellweger syndrome. Identifiers: Orphanet 912, MedGen C0043459, MONDO:0019609.

gnomAD v4.1: 1 of 1,614,032 alleles (0.000062%); highest among the groups gnomAD compares: East Asian, 0.0022%; no homozygotes.

Submissions (2):

PreventionGenetics, part of Exact Sciences
Classification: Uncertain significance for PEX1-related condition. Last evaluated: 2026-05-12. Review status: criteria provided, single submitter. Criteria: ACMG Guidelines, 2015. Collection method: clinical testing. Allele origin: germline.
Comment: The PEX1 c.1979T>C variant is predicted to result in the amino acid substitution p.Leu660Pro. To our knowledge, this variant has not been reported in the literature or in a large population database (gnomAD), indicating this variant is rare. At this time, the clinical significance of this variant is uncertain due to the absence of conclusive functional and genetic evidence.

Natera, Inc.
Classification: Uncertain significance for Zellweger syndrome. Last evaluated: 2025-01-23. Review status: no assertion criteria provided. Collection method: clinical testing. Allele origin: germline. Not counted in ClinVar's aggregate classification.

NM_000466.3(PEX1):c.1979T>C (p.Leu660Pro)

Gene: PEX1 (peroxisomal biogenesis factor 1; minus strand). Cytogenetic location: 7q21.2.
Variant type: single nucleotide variant.
Coding change: c.1979T>C on transcript NM_000466.3 (MANE Select); coding-DNA position 1979, T replaced by C.
Protein change: p.Leu660Pro; replaces leucine 660 with proline.
Molecular consequence: missense variant. On other transcripts: intron variant (1).
Genome position (GRCh38, 1-based): chr7:92,504,824, A>G on the plus strand (T>C on the coding strand, the complement: PEX1 is on the minus strand). VCF-style: chr7-92504824-A-G. GRCh37 (hg19) VCF-style: chr7-92134138-A-G.
Other names: c.1355T>C, p.Leu452Pro (NM_001282678.2); c.1900+1424T>C (NM_001282677.2); short protein forms L452P, L660P.
Identifiers: ClinVar variation 4059571 (VCV004059571.2).